The following is an entry in ClinVar:

ClinVar aggregate classification (germline): Likely benign (1 of 4 stars; one submission).

Conditions:
BBS9-related disorder. Also called: BBS9-related condition.

Submission:

PreventionGenetics, part of Exact Sciences
Classification: Likely benign for BBS9-related condition. Last evaluated: 2026-04-04. Review status: criteria provided, single submitter. Criteria: ACMG Guidelines, 2015. Collection method: clinical testing. Allele origin: germline.
Comment: This variant is classified as likely benign based on ACMG/AMP sequence variant interpretation guidelines (Richards et al. 2015 PMID: 25741868, with internal and published modifications).

NM_198428.3(BBS9):c.1854T>G (p.Leu618=)

Gene: BBS9 (Bardet-Biedl syndrome 9; plus strand). Cytogenetic location: 7p14.3.
Variant type: single nucleotide variant.
Coding change: c.1854T>G on transcript NM_198428.3 (MANE Select); coding-DNA position 1854, T replaced by G.
Protein change: p.Leu618=; no amino-acid change (leucine 618 retained).
Molecular consequence: synonymous variant. On other transcripts: non-coding transcript variant (3).
Genome position (GRCh38, 1-based): chr7:33,383,730, T>G. VCF-style: chr7-33383730-T-G. GRCh37 (hg19) VCF-style: chr7-33423342-T-G.
Other names: c.1749T>G, p.Leu583= (NM_001033604.2); c.1839T>G, p.Leu613= (NM_001033605.2); c.1854T>G, p.Leu618= (NM_001348036.1, NM_001348041.4, NM_001348043.3 and 1 more transcripts); c.1488T>G, p.Leu496= (NM_001348037.3, NM_001348045.3, NM_001348046.3); c.1581T>G, p.Leu527= (NM_001348038.3); c.1476T>G, p.Leu492= (NM_001348039.3); c.1734T>G, p.Leu578= (NM_001348040.3, NM_014451.4); c.1719T>G, p.Leu573= (NM_001348042.3); and 1 more.
Identifiers: ClinVar variation 4991019 (VCV004991019.1).